The following is an entry in ClinVar:

ClinVar aggregate classification (germline): Benign/Likely benign. Review status: criteria provided, multiple submitters, no conflicts (2 of 4 stars). 4 submissions from 4 submitters: Benign (1); Likely benign (3). Last evaluated 2026-04-14.

Conditions:
DICER1-related tumor predisposition. Also called: DICER1-related pleuropulmonary blastoma cancer predisposition syndrome; DICER1 syndrome. Identifiers: Orphanet 284343, MedGen C3839822, MONDO:0100216.
Hereditary cancer-predisposing syndrome. Also called: Tumor predisposition; Hereditary neoplastic syndrome; Neoplastic Syndromes, Hereditary; Hereditary Cancer Syndrome. Identifiers: Orphanet 140162, MedGen C0027672, MeSH D009386, MONDO:0015356.

gnomAD v4.1: 1 of 1,613,900 alleles (0.000062%); highest among the groups gnomAD compares: Non-Finnish European, 0.000085%; no homozygotes.

Submissions (4):

Myriad Genetics, Inc.
Classification: Benign for DICER1-related tumor predisposition. Last evaluated: 2026-04-14. Review status: criteria provided, single submitter. Criteria: Myriad Autosomal Dominant, Autosomal Recessive and X-Linked Classification Criteria (2023). Collection method: clinical testing. Allele origin: unknown.
Comment: This variant is considered benign. This variant is a silent/synonymous amino acid change and it is not expected to impact splicing.

Labcorp Genetics (formerly Invitae), Labcorp
Classification: Likely benign for DICER1-related tumor predisposition. Last evaluated: 2026-01-24. Review status: criteria provided, single submitter. Criteria: Invitae Variant Classification Sherloc (09022015). Collection method: clinical testing. Allele origin: germline.

CeGaT Center for Human Genetics Tuebingen
Classification: Likely benign. Last evaluated: 2025-08-01. Review status: criteria provided, single submitter. Criteria: CeGaT Center For Human Genetics Tuebingen Variant Classification Criteria Version 2. Collection method: clinical testing. Allele origin: germline. Affected: yes. Observed: 1 variant allele.
Comment: DICER1: BP4, BP7

Ambry Genetics
Classification: Likely benign for Hereditary cancer-predisposing syndrome. Last evaluated: 2018-07-12. Review status: criteria provided, single submitter. Criteria: Ambry Variant Classification Scheme 2023. Collection method: clinical testing. Allele origin: germline.

NM_177438.3(DICER1):c.183C>A (p.Ile61=)

Gene: DICER1 (dicer 1, ribonuclease III; minus strand). Cytogenetic location: 14q32.13.
Variant type: single nucleotide variant.
Coding change: c.183C>A on transcript NM_177438.3 (MANE Select); coding-DNA position 183, C replaced by A.
Protein change: p.Ile61=; no amino-acid change (isoleucine 61 retained).
Molecular consequence: synonymous variant.
Genome position (GRCh38, 1-based): chr14:95,132,639, G>T on the plus strand (C>A on the coding strand, the complement: DICER1 is on the minus strand). VCF-style: chr14-95132639-G-T. GRCh37 (hg19) VCF-style: chr14-95598976-G-T.
Other names: c.183C>A, p.Ile61= (NM_001195573.1, NM_001271282.3, NM_001291628.2 and 1 more transcripts).
Identifiers: ClinVar variation 820142 (VCV000820142.21), dbSNP rs932113852, ClinGen allele CA487634133.
Genomic context (GRCh38, chr14:95,132,639, plus strand): 5'-CAGCTCTTTAGTGAGTAGTACTGCAATAAATGTCTTCCCTGAGCCAGTGTTTAAACAGAC[G>T]ATGGTATTATGATCCAGAGCTGCTTCAAGCAGTTCAACCTAGAAACATGGTGAAAAAAAA-3'
Protein context (NP_803187.1, residues 51-71): LLEAALDHNT[Ile61=]VCLNTGSGKT